The following is an entry in ClinVar:

ClinVar aggregate classification (germline): Uncertain significance (1 of 4 stars; one submission).

Submission:

Ambry Genetics
Classification: Uncertain significance. Last evaluated: 2026-08-13. Review status: criteria provided, single submitter. Criteria: Ambry Variant Classification Scheme 2023. Collection method: clinical testing. Allele origin: germline.
Comment: The p.V127I variant (also known as c.379G>A), located in coding exon 1 of the TET2 gene, results from a G to A substitution at nucleotide position 379. The valine at codon 127 is replaced by isoleucine, an amino acid with highly similar properties. This amino acid position is conserved. In addition, this alteration is predicted to be tolerated by in silico analysis. Based on the available evidence, the clinical significance of this variant remains unclear.

NM_001127208.3(TET2):c.379G>A (p.Val127Ile)

Genes: TET2 (tet methylcytosine dioxygenase 2; plus strand), TET2-AS1 (TET2 antisense RNA 1; minus strand). Cytogenetic location: 4q24.
Variant type: single nucleotide variant.
Coding change: c.379G>A on transcript NM_001127208.3 (MANE Select); coding-DNA position 379, G replaced by A.
Protein change: p.Val127Ile; replaces valine 127 with isoleucine.
Molecular consequence: missense variant.
Genome position (GRCh38, 1-based): chr4:105,234,321, G>A. VCF-style: chr4-105234321-G-A. GRCh37 (hg19) VCF-style: chr4-106155478-G-A.
Other names: c.379G>A, p.Val127Ile (NM_017628.4); short protein forms V127I.
Identifiers: ClinVar variation 5030749 (VCV005030749.1).